The following is an entry in ClinVar:

ClinVar aggregate classification (germline): Conflicting classifications of pathogenicity. Review status: criteria provided, conflicting classifications (1 of 4 stars). 3 submissions from 3 submitters: Uncertain significance (2); Likely benign (1). Last evaluated 2026-03-26.

Conditions:
Tuberous sclerosis syndrome (TSC). Also called: Tuberous Sclerosis Complex; Tuberous sclerosis. Identifiers: Orphanet 805, MedGen C0041341, MONDO:0001734.
Tuberous sclerosis 2 (TSC2). Identifiers: Orphanet 805, MedGen C1860707, MONDO:0013199, OMIM 613254.
Hereditary cancer-predisposing syndrome. Also called: Tumor predisposition; Hereditary Cancer Syndrome; Hereditary neoplastic syndrome; Neoplastic Syndromes, Hereditary. Identifiers: Orphanet 140162, MedGen C0027672, MeSH D009386, MONDO:0015356.

gnomAD v4.1: 1 of 1,612,770 alleles (0.000062%); highest among the groups gnomAD compares: South Asian, 0.0011%; no homozygotes.

Submissions (3):

Ambry Genetics
Classification: Uncertain significance for Hereditary cancer-predisposing syndrome. Last evaluated: 2026-03-26. Review status: criteria provided, single submitter. Criteria: Ambry Variant Classification Scheme 2023. Collection method: clinical testing. Allele origin: germline.
Comment: The p.Y1736C variant (also known as c.5207A>G), located in coding exon 40 of the TSC2 gene, results from an A to G substitution at nucleotide position 5207. The tyrosine at codon 1736 is replaced by cysteine, an amino acid with highly dissimilar properties. This amino acid position is conserved. In addition, this alteration is predicted to be deleterious by in silico analysis. Based on the available evidence, the clinical significance of this variant remains unclear.

Color Diagnostics, LLC DBA Color Health
Classification: Uncertain significance for Tuberous sclerosis syndrome. Last evaluated: 2025-06-25. Review status: criteria provided, single submitter. Criteria: ACMG Guidelines, 2015. Collection method: clinical testing. Allele origin: germline.
Comment: This missense variant replaces tyrosine with cysteine at codon 1736 of the TSC2 protein. Computational prediction suggests that this variant may have deleterious impact on protein structure and function. To our knowledge, functional studies have not been reported for this variant. This variant has not been reported in individuals affected with TSC2-related disorders in the literature. This variant has been identified in 1/250296 chromosomes in the general population by the Genome Aggregation Database (gnomAD). The available evidence is insufficient to determine the role of this variant in disease conclusively. Therefore, this variant is classified as a Variant of Uncertain Significance.

Labcorp Genetics (formerly Invitae), Labcorp
Classification: Likely benign for Tuberous sclerosis 2. Last evaluated: 2023-06-29. Review status: criteria provided, single submitter. Criteria: Invitae Variant Classification Sherloc (09022015). Collection method: clinical testing. Allele origin: germline.

NM_000548.5(TSC2):c.5207A>G (p.Tyr1736Cys)

Gene: TSC2 (TSC complex subunit 2; plus strand). Cytogenetic location: 16p13.3.
Variant type: single nucleotide variant.
Coding change: c.5207A>G on transcript NM_000548.5 (MANE Select); coding-DNA position 5207, A replaced by G.
Protein change: p.Tyr1736Cys; replaces tyrosine 1736 with cysteine.
Molecular consequence: missense variant.
Genome position (GRCh38, 1-based): chr16:2,088,273, A>G. VCF-style: chr16-2088273-A-G. GRCh37 (hg19) VCF-style: chr16-2138274-A-G.
Other names: c.5006A>G, p.Tyr1669Cys (NM_001077183.3); c.5138A>G, p.Tyr1713Cys (NM_001114382.3); c.4898A>G, p.Tyr1633Cys (NM_001318827.2); c.4862A>G, p.Tyr1621Cys (NM_001318829.2); c.4475A>G, p.Tyr1492Cys (NM_001318831.2); c.4997A>G, p.Tyr1666Cys (NM_001406671.1); c.4994A>G, p.Tyr1665Cys (NM_001406673.1); c.4991A>G, p.Tyr1664Cys (NM_001406675.1); and 27 more; short protein forms Y1135C, Y1221C, Y1222C, Y1244C, Y1245C, Y1265C, Y1469C, Y1470C.
Identifiers: ClinVar variation 2416226 (VCV002416226.9), dbSNP rs746160626, ClinGen allele CA394314314.